The following is an entry in ClinVar:

NM_198060.4(NRAP):c.3703C>T (p.Arg1235Cys)

Gene: NRAP (nebulin related anchoring protein; minus strand). Cytogenetic location: 10q25.3.
Variant type: single nucleotide variant.
Coding change: c.3703C>T on transcript NM_198060.4 (MANE Select); coding-DNA position 3703, C replaced by T.
Protein change: p.Arg1235Cys; replaces arginine 1235 with cysteine.
Molecular consequence: missense variant.
Genome position (GRCh38, 1-based): chr10:113,606,282, G>A on the plus strand (C>T on the coding strand, the complement: NRAP is on the minus strand). VCF-style: chr10-113606282-G-A. GRCh37 (hg19) VCF-style: chr10-115366041-G-A.
Other names: c.3703C>T, p.Arg1235Cys (NM_001261463.2); c.3595C>T, p.Arg1199Cys (NM_001322945.2); c.3598C>T, p.Arg1200Cys (NM_006175.5); short protein forms R1199C, R1200C, R1235C.
Identifiers: ClinVar variation 3895318 (VCV003895318.1), dbSNP rs565569438.

ClinVar aggregate classification (germline): Uncertain significance (1 of 4 stars; one submission).

Conditions:
Cardiovascular phenotype. Identifiers: MedGen CN230736.

Submission:

Molecular Diagnostic Laboratory for Inherited Cardiovascular Disease, Montreal Heart Institute
Classification: Uncertain significance for Cardiovascular phenotype. Last evaluated: 2025-04-09. Review status: criteria provided, single submitter. Criteria: ACMG Guidelines, 2015. Collection method: clinical testing. Allele origin: germline. Affected: yes.
Comment: PM2